The following is an entry in ClinVar:

ClinVar aggregate classification (germline): Pathogenic/Likely pathogenic. Review status: criteria provided, multiple submitters, no conflicts (2 of 4 stars). 4 submissions from 4 submitters: Pathogenic (2); Likely pathogenic (2). Last evaluated 2026-05-30.

Conditions:
Fanconi anemia (FA). Also called: Fanconi's anemia. Identifiers: Orphanet 84, MedGen C0015625, MeSH D005199, MONDO:0019391.
Fanconi anemia complementation group A (FANCA). Also called: FANCA-Related Fanconi Anemia; Fanconi anemia, group A. Identifiers: Orphanet 84, MedGen C3469521, MONDO:0009215, OMIM 227650.

Allele frequency attached by ClinVar (database versions not stated): ExAC 0.00001.
gnomAD v4.1: 3 of 1,614,096 alleles (0.00019%); highest among the groups gnomAD compares: Admixed American, 0.005%; no homozygotes.

Submissions (4):

Women's Health and Genetics/Laboratory Corporation of America, LabCorp
Classification: Pathogenic for Fanconi anemia. Last evaluated: 2026-05-30. Review status: criteria provided, single submitter. Criteria: LabCorp Variant Classification Summary - May 2015. Collection method: clinical testing. Allele origin: germline.
Comment: Variant summary: FANCA c.1607C>G (p.Ser536X) results in a premature termination codon, predicted to cause absence of the protein due to nonsense mediated decay, which is a commonly known mechanism for disease. The variant allele was found at a frequency of 8e-06 in 251420 control chromosomes. c.1607C>G has been observed in a compound heterozygous state in individual(s) affected with ovarian cancer (Siraj_2017). To our knowledge, no experimental evidence demonstrating an impact on protein function has been reported. The following publication has been ascertained in the context of this evaluation (PMID: 28975465). ClinVar contains an entry for this variant (Variation ID: 1432943). Based on the evidence outlined above, the variant was classified as pathogenic.

Labcorp Genetics (formerly Invitae), Labcorp
Classification: Pathogenic for Fanconi anemia. Last evaluated: 2025-03-07. Review status: criteria provided, single submitter. Criteria: Invitae Variant Classification Sherloc (09022015). Collection method: clinical testing. Allele origin: germline.
Comment: This sequence change creates a premature translational stop signal (p.Ser536*) in the FANCA gene. It is expected to result in an absent or disrupted protein product. Loss-of-function variants in FANCA are known to be pathogenic (PMID: 19367192). This variant is present in population databases (rs769047348, gnomAD 0.006%). This premature translational stop signal has been observed in individual(s) with ovarian cancer (PMID: 28975465). ClinVar contains an entry for this variant (Variation ID: 1432943). Algorithms developed to predict the effect of sequence changes on RNA splicing suggest that this variant may disrupt the consensus splice site. For these reasons, this variant has been classified as Pathogenic.

Natera, Inc.
Classification: Likely pathogenic for Fanconi anemia. Last evaluated: 2024-05-31. Review status: criteria provided, single submitter. Criteria: Natera Variant Classification Schema (03/2026). Collection method: clinical testing. Allele origin: germline.
Comment: The c.1607C>G variant in FANCA is a nonsense variant predicted to introduce a stop codon at amino acid 536. This variant is expected to result in nonsense mediated decay, truncation, or a dysfunctional protein product. This variant is rare in the general population with a frequency below the threshold expected for the associated phenotype(s). Given the available evidence, this variant is classified as Likely Pathogenic.

Baylor Genetics
Classification: Likely pathogenic for Fanconi anemia complementation group A. Last evaluated: 2023-09-23. Review status: criteria provided, single submitter. Criteria: ACMG Guidelines, 2015. Collection method: clinical testing. Allele origin: unknown.

Literature cited by the submitters: PubMed 28975465 (cited by Women's Health and Genetics/Laboratory Corporation of America, LabCorp and Labcorp Genetics (formerly Invitae), Labcorp); PubMed 19367192 (cited by Labcorp Genetics (formerly Invitae), Labcorp).

NM_000135.4(FANCA):c.1607C>G (p.Ser536Ter)

Gene: FANCA (FA complementation group A; minus strand). Cytogenetic location: 16q24.3.
Variant type: single nucleotide variant.
Coding change: c.1607C>G on transcript NM_000135.4 (MANE Select); coding-DNA position 1607, C replaced by G.
Protein change: p.Ser536Ter; replaces serine 536 with a stop codon.
Molecular consequence: nonsense.
Genome position (GRCh38, 1-based): chr16:89,782,878, G>C on the plus strand (C>G on the coding strand, the complement: FANCA is on the minus strand). VCF-style: chr16-89782878-G-C. GRCh37 (hg19) VCF-style: chr16-89849286-G-C.
Other names: c.1607C>G, p.Ser536Ter (NM_001286167.3); c.1607C>G (NM_000135.3); short protein forms S536*.
Identifiers: ClinVar variation 1432943 (VCV001432943.11), dbSNP rs769047348, ClinGen allele CA8252229.